The following is an entry in ClinVar:

NM_030955.4(ADAMTS12):c.3321C>T (p.Ser1107=)

Genes: ADAMTS12 (ADAM metallopeptidase with thrombospondin type 1 motif 12; minus strand), LOC126807349 (CDK7 strongly-dependent group 2 enhancer GRCh37_chr5:33576148-33577347; plus strand). Cytogenetic location: 5p13.3.
Variant type: single nucleotide variant.
Coding change: c.3321C>T on transcript NM_030955.4 (MANE Select); coding-DNA position 3321, C replaced by T.
Protein change: p.Ser1107=; no amino-acid change (serine 1107 retained).
Molecular consequence: synonymous variant.
Genome position (GRCh38, 1-based): chr5:33,576,705, G>A on the plus strand (C>T on the coding strand, the complement: ADAMTS12 is on the minus strand). VCF-style: chr5-33576705-G-A. GRCh37 (hg19) VCF-style: chr5-33576810-G-A.
Other names: c.3066C>T, p.Ser1022= (NM_001324512.2).
Identifiers: ClinVar variation 2655387 (VCV002655387.24), dbSNP rs147475707, ClinGen allele CA3224046.

ClinVar aggregate classification (germline): Likely benign (1 of 4 stars; one submission).

Allele frequency attached by ClinVar (database versions not stated): 1000 Genomes Project 0.00020; 1000 Genomes Project 30x 0.00031; gnomAD exomes 0.00043; gnomAD 0.00050; ESP Exome Variant Server 0.00069; TOPMed 0.00076; ExAC 0.00122.
gnomAD v4.1: 755 of 1,614,212 alleles (0.047%); highest among the groups gnomAD compares: Middle Eastern, 0.35%; 2 homozygotes.

Submission:

CeGaT Center for Human Genetics Tuebingen
Classification: Likely benign. Last evaluated: 2022-10-01. Review status: criteria provided, single submitter. Criteria: CeGaT Center For Human Genetics Tuebingen Variant Classification Criteria Version 2. Collection method: clinical testing. Allele origin: germline. Affected: yes. Observed: 1 variant allele.
Comment: ADAMTS12: BP4, BP7